The following is an entry in ClinVar:

ClinVar aggregate classification (germline): Uncertain significance (1 of 4 stars; one submission).

Submission:

Labcorp Genetics (formerly Invitae), Labcorp
Classification: Uncertain significance. Last evaluated: 2022-07-03. Review status: criteria provided, single submitter. Criteria: Invitae Variant Classification Sherloc (09022015). Collection method: clinical testing. Allele origin: germline.
Comment: This variant has not been reported in the literature in individuals affected with KIF11-related conditions. This variant is not present in population databases (gnomAD no frequency). This sequence change falls in intron 10 of the KIF11 gene. It does not directly change the encoded amino acid sequence of the KIF11 protein. Algorithms developed to predict the effect of sequence changes on RNA splicing suggest that this variant may disrupt the consensus splice site. In summary, the available evidence is currently insufficient to determine the role of this variant in disease. Therefore, it has been classified as a Variant of Uncertain Significance.

NM_004523.4(KIF11):c.1218-11C>G

Gene: KIF11 (kinesin family member 11; plus strand). Cytogenetic location: 10q23.33.
Variant type: single nucleotide variant.
Coding change: c.1218-11C>G on transcript NM_004523.4 (MANE Select); 11 bases into the intron before coding-DNA position 1218, C replaced by G.
Molecular consequence: intron variant.
Genome position (GRCh38, 1-based): chr10:92,628,797, C>G. VCF-style: chr10-92628797-C-G. GRCh37 (hg19) VCF-style: chr10-94388554-C-G.
Identifiers: ClinVar variation 2013561 (VCV002013561.4), dbSNP rs2492512552, ClinGen allele CA2580082306.